The following is an entry in ClinVar:

NM_015629.4(PRPF31):c.93G>A (p.Ala31=)

Gene: PRPF31 (pre-mRNA processing factor 31; plus strand). Cytogenetic location: 19q13.42.
Variant type: single nucleotide variant.
Coding change: c.93G>A on transcript NM_015629.4 (MANE Select); coding-DNA position 93, G replaced by A.
Protein change: p.Ala31=; no amino-acid change (alanine 31 retained).
Molecular consequence: synonymous variant.
Genome position (GRCh38, 1-based): chr19:54,118,371, G>A. VCF-style: chr19-54118371-G-A. GRCh37 (hg19) VCF-style: chr19-54621751-G-A.
Other names: c.93G>A (NM_015629.3).
Identifiers: ClinVar variation 3004911 (VCV003004911.5), dbSNP rs921655639, ClinGen allele CA309320825.

ClinVar aggregate classification (germline): Likely benign. Review status: criteria provided, multiple submitters, no conflicts (2 of 4 stars). 3 submissions from 3 submitters: Likely benign (2). 1 of the submissions does not count toward it. Last evaluated 2024-12-10.

Conditions:
PRPF31-related disorder. Also called: PRPF31-related condition.

Allele frequency attached by ClinVar (database versions not stated): gnomAD 0.00002.
gnomAD v4.1: 24 of 1,613,964 alleles (0.0015%); highest among the groups gnomAD compares: African/African-American, 0.008%; no homozygotes.

Submissions (3):

Labcorp Genetics (formerly Invitae), Labcorp
Classification: Likely benign. Last evaluated: 2024-12-10. Review status: criteria provided, single submitter. Criteria: Invitae Variant Classification Sherloc (09022015). Collection method: clinical testing. Allele origin: germline.

Blueprint Genetics
Classification: Likely benign. Last evaluated: 2024-10-17. Review status: criteria provided, single submitter. Criteria: ACMG Guidelines, 2015. Collection method: clinical testing. Allele origin: germline.

PreventionGenetics, part of Exact Sciences
Classification: Likely benign for PRPF31-related condition. Last evaluated: 2024-09-10. Review status: no assertion criteria provided. Collection method: clinical testing. Allele origin: germline. Not counted in ClinVar's aggregate classification.
Comment: This variant is classified as likely benign based on ACMG/AMP sequence variant interpretation guidelines (Richards et al. 2015 PMID: 25741868, with internal and published modifications).